The following is an entry in ClinVar:

ClinVar aggregate classification (germline): Uncertain significance (1 of 4 stars; one submission).

Allele frequency attached by ClinVar (database versions not stated): gnomAD 0.00001; TOPMed 0.00002.
gnomAD v4.1: 2 of 1,614,096 alleles (0.00012%); highest among the groups gnomAD compares: African/African-American, 0.0013%; no homozygotes.

Submission:

Labcorp Genetics (formerly Invitae), Labcorp
Classification: Uncertain significance. Last evaluated: 2022-10-21. Review status: criteria provided, single submitter. Criteria: Invitae Variant Classification Sherloc (09022015). Collection method: clinical testing. Allele origin: germline.
Comment: This sequence change replaces threonine, which is neutral and polar, with alanine, which is neutral and non-polar, at codon 3136 of the KMT2A protein (p.Thr3136Ala). This variant is not present in population databases (gnomAD no frequency). This variant has not been reported in the literature in individuals affected with KMT2A-related conditions. Advanced modeling of protein sequence and biophysical properties (such as structural, functional, and spatial information, amino acid conservation, physicochemical variation, residue mobility, and thermodynamic stability) performed at Invitae indicates that this missense variant is not expected to disrupt KMT2A protein function. In summary, the available evidence is currently insufficient to determine the role of this variant in disease. Therefore, it has been classified as a Variant of Uncertain Significance.

NM_001197104.2(KMT2A):c.9406A>G (p.Thr3136Ala)

Gene: KMT2A (lysine methyltransferase 2A; plus strand). Cytogenetic location: 11q23.3.
Variant type: single nucleotide variant.
Coding change: c.9406A>G on transcript NM_001197104.2 (MANE Select); coding-DNA position 9406, A replaced by G.
Protein change: p.Thr3136Ala; replaces threonine 3136 with alanine.
Molecular consequence: missense variant.
Genome position (GRCh38, 1-based): chr11:118,505,298, A>G. VCF-style: chr11-118505298-A-G. GRCh37 (hg19) VCF-style: chr11-118376013-A-G.
Other names: c.9496A>G, p.Thr3166Ala (NM_001412597.1); c.9397A>G, p.Thr3133Ala (NM_005933.4); short protein forms T3133A, T3166A, T3136A.
Identifiers: ClinVar variation 2012177 (VCV002012177.4), dbSNP rs1417167448, ClinGen allele CA382820357.